The following is an entry in ClinVar:

NM_001378454.1(ALMS1):c.1669A>T (p.Ile557Phe)

Gene: ALMS1 (ALMS1 centrosome and basal body associated protein; plus strand). Cytogenetic location: 2p13.1.
Variant type: single nucleotide variant.
Coding change: c.1669A>T on transcript NM_001378454.1 (MANE Select); coding-DNA position 1669, A replaced by T.
Protein change: p.Ile557Phe; replaces isoleucine 557 with phenylalanine.
Molecular consequence: missense variant.
Genome position (GRCh38, 1-based): chr2:73,448,196, A>T. VCF-style: chr2-73448196-A-T. GRCh37 (hg19) VCF-style: chr2-73675323-A-T.
Other names: c.1672A>T, p.Ile558Phe (NM_015120.4); short protein forms I558F, I557F.
Identifiers: ClinVar variation 1777717 (VCV001777717.2), dbSNP rs760326078, ClinGen allele CA347265074.
Genomic context (GRCh38, chr2:73,448,196, plus strand): 5'-CTCAACCAAAAGACATTAGCAGATACTCATCTAACTGAAGAGACTCTGAAAGTCACAGCT[A>T]TTCCTGAACCAGCTGACCAGAAGACTGCAACACCAACAGTACTCTCTAGTTCCCACTCAC-3'
Protein context (NP_001365383.1, residues 547-567): LTEETLKVTA[Ile557Phe]PEPADQKTAT

ClinVar aggregate classification (germline): Uncertain significance (1 of 4 stars; one submission).

Conditions:
Cardiovascular phenotype. Identifiers: MedGen CN230736.

Submission:

Ambry Genetics
Classification: Uncertain significance for Cardiovascular phenotype. Last evaluated: 2020-09-10. Review status: criteria provided, single submitter. Criteria: Ambry Variant Classification Scheme 2023. Collection method: clinical testing. Allele origin: germline.
Comment: The p.I558F variant (also known as c.1672A>T), located in coding exon 8 of the ALMS1 gene, results from an A to T substitution at nucleotide position 1672. The isoleucine at codon 558 is replaced by phenylalanine, an amino acid with highly similar properties. This amino acid position is poorly conserved in available vertebrate species. In addition, this alteration is predicted to be tolerated by in silico analysis. Since supporting evidence is limited at this time, the clinical significance of this alteration remains unclear.